The following is an entry in ClinVar:

NM_001292034.3(TAB2):c.548del (p.Pro183fs)

Gene: TAB2 (TGF-beta activated kinase 1 (MAP3K7) binding protein 2; plus strand). Cytogenetic location: 6q25.1.
Variant type: Deletion.
Coding change: c.548del on transcript NM_001292034.3 (MANE Select); coding-DNA position 548, one base deleted (C; older notation c.548delC).
Protein change: p.Pro183fs; shifts the reading frame from proline 183.
Molecular consequence: frameshift variant.
Genome position (GRCh38, 1-based): chr6:149,378,463, C deleted; the last of 4 consecutive C bases (chr6:149,378,460-149,378,463); deleting any one gives the same sequence. VCF-style (leftmost placement, unchanged base first): chr6-149378459-GC-G. GRCh37 (hg19) VCF-style: chr6-149699595-GC-G.
Other names: c.452del, p.Pro151fs (NM_001292035.3); c.548del, p.Pro183fs (NM_001369506.1, NM_015093.6); short protein forms P151fs, P183fs.
Identifiers: ClinVar variation 4085534 (VCV004085534.8).

ClinVar aggregate classification (germline): Pathogenic (1 of 4 stars; one submission).

Submission:

CeGaT Center for Human Genetics Tuebingen
Classification: Pathogenic. Last evaluated: 2025-09-01. Review status: criteria provided, single submitter. Criteria: CeGaT Center For Human Genetics Tuebingen Variant Classification Criteria Version 2. Collection method: clinical testing. Allele origin: germline. Affected: yes. Observed: 2 variant alleles.
Comment: TAB2: PVS1, PM2